The following is an entry in ClinVar:

ClinVar aggregate classification (germline): Pathogenic (1 of 4 stars; one submission).

Conditions:
Congenital myotonia, autosomal dominant form (THD). Also called: THOMSEN DISEASE; Myotonia congenita autosomal dominant. Identifiers: Orphanet 614, MedGen C2936781, MONDO:0008055, OMIM 160800.
Congenital myotonia, autosomal recessive form. Also called: BECKER DISEASE; Becker Generalized Myotonia; myotonia congenita, autosomal recessive. Identifiers: Orphanet 614, MedGen C0751360, MONDO:0009715, OMIM 255700.

Submission:

Labcorp Genetics (formerly Invitae), Labcorp
Classification: Pathogenic for Congenital myotonia, autosomal recessive form; Congenital myotonia, autosomal dominant form. Last evaluated: 2024-04-15. Review status: criteria provided, single submitter. Criteria: Invitae Variant Classification Sherloc (09022015). Collection method: clinical testing. Allele origin: germline.
Comment: This sequence change replaces glycine, which is neutral and non-polar, with cysteine, which is neutral and slightly polar, at codon 650 of the CLCN1 protein (p.Gly650Cys). This variant is not present in population databases (gnomAD no frequency). This missense change has been observed in individual(s) with autosomal recessive myotonia congenita ( (Invitae). In at least one individual the data is consistent with being in trans (on the opposite chromosome) from a pathogenic variant. It has also been observed to segregate with disease in related individuals. Advanced modeling of protein sequence and biophysical properties (such as structural, functional, and spatial information, amino acid conservation, physicochemical variation, residue mobility, and thermodynamic stability) performed at Invitae indicates that this missense variant is expected to disrupt CLCN1 protein function with a positive predictive value of 95%. For these reasons, this variant has been classified as Pathogenic.

NM_000083.3(CLCN1):c.1948G>T (p.Gly650Cys)

Genes: CLCN1 (chloride voltage-gated channel 1; plus strand), LOC123956257 (Sharpr-MPRA regulatory region 4117; plus strand). Cytogenetic location: 7q34.
Variant type: single nucleotide variant.
Coding change: c.1948G>T on transcript NM_000083.3 (MANE Select); coding-DNA position 1948, G replaced by T.
Protein change: p.Gly650Cys; replaces glycine 650 with cysteine.
Molecular consequence: missense variant. On other transcripts: non-coding transcript variant (1).
Genome position (GRCh38, 1-based): chr7:143,345,538, G>T. VCF-style: chr7-143345538-G-T. GRCh37 (hg19) VCF-style: chr7-143042631-G-T.
Other names: short protein forms G650C.
Identifiers: ClinVar variation 2943094 (VCV002943094.3), dbSNP rs1181586555, ClinGen allele CA369649408.
Genomic context (GRCh38, chr7:143,345,538, plus strand): 5'-GGGCTTGGAGGGGGCGCTCAGGCAGGGCGTGGGTTTCCCTCAGATTCAATGATCCTGCTG[G>T]GCTCGGTGGAGCGGTCGGAACTGCAGGCCCTCCTGCAGCGCCACCTGTGTCCTGAGCGCA-3'
Protein context (NP_000074.3, residues 640-660): VDSKDSMILL[Gly650Cys]SVERSELQAL